The following is an entry in ClinVar:

NM_024741.3(ZNF408):c.264G>T (p.Trp88Cys)

Gene: ZNF408 (zinc finger protein 408; plus strand). Cytogenetic location: 11p11.2.
Variant type: single nucleotide variant.
Coding change: c.264G>T on transcript NM_024741.3 (MANE Select); coding-DNA position 264, G replaced by T.
Protein change: p.Trp88Cys; replaces tryptophan 88 with cysteine.
Molecular consequence: missense variant.
Genome position (GRCh38, 1-based): chr11:46,701,610, G>T. VCF-style: chr11-46701610-G-T. GRCh37 (hg19) VCF-style: chr11-46723160-G-T.
Other names: c.240G>T, p.Trp80Cys (NM_001184751.2); short protein forms W80C, W88C.
Identifiers: ClinVar variation 1005418 (VCV001005418.9), dbSNP rs773162748, ClinGen allele CA5966277.

ClinVar aggregate classification (germline): Uncertain significance. Review status: criteria provided, multiple submitters, no conflicts (2 of 4 stars). 2 submissions from 2 submitters: Uncertain significance (2). Last evaluated 2022-07-06.

Allele frequency attached by ClinVar (database versions not stated): ExAC 0.00001; gnomAD 0.00001; gnomAD exomes 0.00001; TOPMed 0.00003.
gnomAD v4.1: 7 of 1,609,274 alleles (0.00043%); highest among the groups gnomAD compares: Admixed American, 0.01%; no homozygotes.

Submissions (2):

Labcorp Genetics (formerly Invitae), Labcorp
Classification: Uncertain significance. Last evaluated: 2022-07-06. Review status: criteria provided, single submitter. Criteria: Invitae Variant Classification Sherloc (09022015). Collection method: clinical testing. Allele origin: germline.
Comment: This variant has not been reported in the literature in individuals affected with ZNF408-related conditions. This variant is present in population databases (rs773162748, gnomAD 0.006%). This sequence change replaces tryptophan, which is neutral and slightly polar, with cysteine, which is neutral and slightly polar, at codon 88 of the ZNF408 protein (p.Trp88Cys). In summary, the available evidence is currently insufficient to determine the role of this variant in disease. Therefore, it has been classified as a Variant of Uncertain Significance. Algorithms developed to predict the effect of missense changes on protein structure and function are either unavailable or do not agree on the potential impact of this missense change (SIFT: "Deleterious"; PolyPhen-2: "Probably Damaging"; Align-GVGD: "Class C0"). ClinVar contains an entry for this variant (Variation ID: 1005418).

Blueprint Genetics
Classification: Uncertain significance. Last evaluated: 2021-01-18. Review status: criteria provided, single submitter. Criteria: ACMG Guidelines, 2015. Collection method: clinical testing. Allele origin: germline.